The following is an entry in ClinVar:

NM_022168.4(IFIH1):c.2605T>C (p.Tyr869His)

Gene: IFIH1 (interferon induced with helicase C domain 1; minus strand). Cytogenetic location: 2q24.2.
Variant type: single nucleotide variant.
Coding change: c.2605T>C on transcript NM_022168.4 (MANE Select); coding-DNA position 2605, T replaced by C.
Protein change: p.Tyr869His; replaces tyrosine 869 with histidine.
Molecular consequence: missense variant.
Genome position (GRCh38, 1-based): chr2:162,272,237, A>G on the plus strand (T>C on the coding strand, the complement: IFIH1 is on the minus strand). VCF-style: chr2-162272237-A-G. GRCh37 (hg19) VCF-style: chr2-163128747-A-G.
Other names: short protein forms Y869H.
Identifiers: ClinVar variation 4792464 (VCV004792464.1).
Genomic context (GRCh38, chr2:162,272,237, plus strand): 5'-ATGCCGCCATTTTTAAATGAAAATCAAATTCAGAGGTGACCAACAATACCTTATGAGCAT[A>G]CTCCTCTGGTTTCATATTTTGAACACAATGTATAGCTTTATACATCATCTTCTCTCGGAA-3'
Protein context (NP_071451.2, residues 859-879): HCVQNMKPEE[Tyr869His]AHKILELQMQ

ClinVar aggregate classification (germline): Uncertain significance (1 of 4 stars; one submission).

Conditions:
Aicardi-Goutieres syndrome 7 (AGS7). Identifiers: Orphanet 51, MedGen C3888244, MONDO:0014367, OMIM 615846.
Singleton-Merten syndrome 1 (SGMRT1). Also called: Widened medullary cavities of bone, aortic calcification, abnormal dentition, and muscular weakness; Syndrome of widened medullary cavities of the metacarpals and phalanges, aortic calcification and abnormal dentition. Identifiers: Orphanet 85191, MedGen C4225427, MONDO:0024535, OMIM 182250.

gnomAD v4.1: 1 of 1,611,234 alleles (0.000062%); highest among the groups gnomAD compares: Non-Finnish European, 0.000085%; no homozygotes.

Submission:

Labcorp Genetics (formerly Invitae), Labcorp
Classification: Uncertain significance for Aicardi-Goutieres syndrome 7; Singleton-Merten syndrome 1. Last evaluated: 2025-09-19. Review status: criteria provided, single submitter. Criteria: Invitae Variant Classification Sherloc (09022015). Collection method: clinical testing. Allele origin: germline.
Comment: This sequence change replaces tyrosine, which is neutral and polar, with histidine, which is basic and polar, at codon 869 of the IFIH1 protein (p.Tyr869His). This variant is not present in population databases (gnomAD no frequency). This variant has not been reported in the literature in individuals affected with IFIH1-related conditions. Invitae Evidence Modeling of protein sequence and biophysical properties (such as structural, functional, and spatial information, amino acid conservation, physicochemical variation, residue mobility, and thermodynamic stability) has been performed for this missense variant. However, the output from this modeling did not meet the statistical confidence thresholds required to predict the impact of this variant on IFIH1 protein function. In summary, the available evidence is currently insufficient to determine the role of this variant in disease. Therefore, it has been classified as a Variant of Uncertain Significance.